The following is an entry in ClinVar:

NM_001126108.2(SLC12A3):c.56_57dup (p.Phe20fs)

Gene: SLC12A3 (solute carrier family 12 member 3; plus strand). Cytogenetic location: 16q13.
Variant type: Microsatellite.
Coding change: c.56_57dup on transcript NM_001126108.2 (MANE Select); coding-DNA positions 56 to 57, 2 bases duplicated (GC; older notation c.56_57dupGC).
Protein change: p.Phe20fs; shifts the reading frame from phenylalanine 20.
Molecular consequence: frameshift variant.
Genome position (GRCh38, 1-based): chr16:56,865,291-56,865,292, GC duplicated; duplicating any 2 consecutive bases within chr16:56,865,289-56,865,292 gives the same sequence; the c. name uses the placement nearest the transcript's 3' end. VCF-style (leftmost placement, unchanged base first): chr16-56865288-G-GGC. GRCh37 (hg19) VCF-style: chr16-56899200-G-GGC.
Other names: c.56_57dup, p.Phe20fs (NM_000339.3, NM_001126107.2); c.56_57dup (NM_001126108.1); c.56_57dupGC (NM_000339.2); short protein forms F20fs.
Identifiers: ClinVar variation 851316 (VCV000851316.15), dbSNP rs758683818, ClinGen allele CA8068901.

ClinVar aggregate classification (germline): Pathogenic/Likely pathogenic. Review status: criteria provided, multiple submitters, no conflicts (2 of 4 stars). 7 submissions from 7 submitters: Pathogenic (3); Likely pathogenic (4). Last evaluated 2026-02-27.

Conditions:
SLC12A3-related disorder. Also called: SLC12A3-related condition.
Inborn genetic diseases. Identifiers: MedGen C0950123, MeSH D030342.
Familial hypokalemia-hypomagnesemia (GTLMNS). Also called: HYPOMAGNESEMIA-HYPOKALEMIA, PRIMARY RENOTUBULAR, WITH HYPOCALCIURIA; POTASSIUM AND MAGNESIUM DEPLETION; gitelman syndrome. Identifiers: Orphanet 358, MedGen C0268450, MONDO:0009904, OMIM 263800.

Submissions (7):

Dasa
Classification: Likely pathogenic. Last evaluated: 2026-02-27. Review status: criteria provided, single submitter. Criteria: DASA Assertion Criteria. Collection method: clinical testing. Allele origin: germline.
Comment: NM_001126108.2(SLC12A3):c.56_57dup (p.Phe20Alafs*8) is a frameshift variant in SLC12A3 predicted to alter the reading frame and introduce a premature termination codon and is predicted to result in an absent or altered protein product. Loss of function is an established disease mechanism for SLC12A3-associated disorders. This variant has been reported in individuals with SLC12A3-related disorders (PMID: 31285285). Also, this variant is rare in population databases. Based on the currently available evidence, this variant is classified as likely pathogenic.

Labcorp Genetics (formerly Invitae), Labcorp
Classification: Pathogenic. Last evaluated: 2025-11-03. Review status: criteria provided, single submitter. Criteria: Invitae Variant Classification Sherloc (09022015). Collection method: clinical testing. Allele origin: germline.
Comment: This sequence change creates a premature translational stop signal (p.Phe20Alafs*8) in the SLC12A3 gene. It is expected to result in an absent or disrupted protein product. Loss-of-function variants in SLC12A3 are known to be pathogenic (PMID: 20848653, 22009145, 25841442). This variant is present in population databases (rs758683818, gnomAD 0.003%). This premature translational stop signal has been observed in individual(s) with clinical features of Gitelman syndrome (PMID: 31285285). ClinVar contains an entry for this variant (Variation ID: 851316). For these reasons, this variant has been classified as Pathogenic.

Natera, Inc.
Classification: Pathogenic for Gitelman syndrome. Last evaluated: 2024-11-08. Review status: criteria provided, single submitter. Criteria: Natera Variant Classification Schema (03/2026). Collection method: clinical testing. Allele origin: germline.
Comment: The c.56_57dupGC variant in SLC12A3 is a frameshift variant predicted to shift the reading frame beginning at codon 20 and leads to a stop codon 8 codons downstream. This variant is expected to result in nonsense mediated decay, truncation, or a dysfunctional protein product. This variant is rare in the general population with a frequency below the threshold expected for the associated phenotype(s). This variant has been observed in one or more individuals affected with the associated recessive disease, as either homozygous or compound heterozygous with a second variant (PMID: 31672324). Given the available evidence, this variant is classified as Pathogenic.

Ambry Genetics
Classification: Likely pathogenic for Inborn genetic diseases. Last evaluated: 2024-05-17. Review status: criteria provided, single submitter. Criteria: Ambry Variant Classification Scheme 2023. Collection method: clinical testing. Allele origin: germline.
Comment: The c.56_57dupGC (p.F20Afs*8) alteration, located in exon 1 (coding exon 1) of the SLC12A3 gene, consists of a duplication of GC at position 56, causing a translational frameshift with a predicted alternate stop codon after 8 amino acids. The predicted stop codon occurs in the 5' end of the SLC12A3 gene. Premature termination codons in the 5&rsquo; end of a gene have been reported to escape nonsense-mediated mRNA decay and/or lead to re-initiation (Rivas, 2015; Lindeboom, 2016; Rhee, 2017). Direct evidence for this alteration is unavailable; however, premature termination codons are typically deleterious in nature. Based on data from gnomAD, the GCGC allele has an overall frequency of 0.001% (2/282296) total alleles studied. The highest observed frequency was 0.014% (1/7216) of Other alleles. This variant has been reported homozygous and in conjunction with another SLC12A3 variant in individuals genetically diagnosed with Gitelman syndrome; however, clinical details were limited (Blanchard, 2015; Alexandru, 2020). Based on the available evidence, this alteration is classified as likely pathogenic.

Fulgent Genetics
Classification: Pathogenic for Familial hypokalemia-hypomagnesemia. Last evaluated: 2024-01-06. Review status: criteria provided, single submitter. Criteria: ACMG Guidelines, 2015. Collection method: clinical testing. Allele origin: germline.

New York Genome Center
Classification: Likely pathogenic for Familial hypokalemia-hypomagnesemia. Last evaluated: 2020-06-05. Review status: criteria provided, single submitter. Criteria: NYGC Assertion Criteria 2020. Collection method: clinical testing. Allele origin: germline. Observed: 1 heterozygote. Study: CSER-NYCKidSeq.

Blueprint Genetics
Classification: Likely pathogenic for SLC12A3-related disorders. Last evaluated: 2018-01-17. Review status: criteria provided, single submitter. Criteria: ACMG Guidelines, 2015. Collection method: clinical testing. Allele origin: germline. Affected: yes. Observed: 1 variant allele.

Literature cited by the submitters: PubMed 31285285 (cited by Dasa and Labcorp Genetics (formerly Invitae), Labcorp); PubMed 33238651 (cited by Dasa and Ambry Genetics); PubMed 20848653 (cited by Dasa and Labcorp Genetics (formerly Invitae), Labcorp); PubMed 25841442 (cited by Dasa and Labcorp Genetics (formerly Invitae), Labcorp); PubMed 22009145 (cited by Dasa and Labcorp Genetics (formerly Invitae), Labcorp); PubMed 31672324 (cited by Natera, Inc.); PubMed 25012174 (cited by Ambry Genetics); PubMed 25954003 (cited by Ambry Genetics); PubMed 27618451 (cited by Ambry Genetics); PubMed 28490743 (cited by Ambry Genetics).